The following is an entry in ClinVar:

ClinVar aggregate classification (germline): Uncertain significance (1 of 4 stars; one submission).

Conditions:
Inborn genetic diseases. Identifiers: MedGen C0950123, MeSH D030342.

gnomAD v4.1: 3 of 1,458,870 alleles (0.00021%); highest among the groups gnomAD compares: South Asian, 0.0026%; no homozygotes.

Submission:

Ambry Genetics
Classification: Uncertain significance for Inborn genetic diseases. Last evaluated: 2025-12-07. Review status: criteria provided, single submitter. Criteria: Ambry Variant Classification Scheme 2023. Collection method: clinical testing. Allele origin: germline.
Comment: The p.V239L variant (also known as c.715G>C), located in coding exon 1 of the SMAD6 gene, results from a G to C substitution at nucleotide position 715. The valine at codon 239 is replaced by leucine, an amino acid with highly similar properties. This amino acid position is conserved. In addition, this alteration is predicted to be tolerated by in silico analysis. Based on the available evidence, the clinical significance of this variant remains unclear.

NM_005585.5(SMAD6):c.715G>C (p.Val239Leu)

Gene: SMAD6 (SMAD family member 6; plus strand). Cytogenetic location: 15q22.31.
Variant type: single nucleotide variant.
Coding change: c.715G>C on transcript NM_005585.5 (MANE Select); coding-DNA position 715, G replaced by C.
Protein change: p.Val239Leu; replaces valine 239 with leucine.
Molecular consequence: missense variant. On other transcripts: non-coding transcript variant (1).
Genome position (GRCh38, 1-based): chr15:66,703,973, G>C. VCF-style: chr15-66703973-G-C. GRCh37 (hg19) VCF-style: chr15-66996311-G-C.
Other names: short protein forms V239L.
Identifiers: ClinVar variation 4631608 (VCV004631608.1).
Genomic context (GRCh38, chr15:66,703,973, plus strand): 5'-CCCGCGCCGCCGCAGCTGCTGCTCGGCCGCCTCTTTCGCTGGCCCGACCTGCAGCACGCC[G>C]TGGAGCTGAAGCCCCTGTGCGGCTGCCACAGCTTCGCCGCCGCCGCCGACGGCCCTACCG-3'
Protein context (NP_005576.3, residues 229-249): LFRWPDLQHA[Val239Leu]ELKPLCGCHS